The following is an entry in ClinVar:

NM_002691.4(POLD1):c.1481T>C (p.Ile494Thr)

Gene: POLD1 (DNA polymerase delta 1, catalytic subunit; plus strand). Cytogenetic location: 19q13.33.
Variant type: single nucleotide variant.
Coding change: c.1481T>C on transcript NM_002691.4 (MANE Select); coding-DNA position 1481, T replaced by C.
Protein change: p.Ile494Thr; replaces isoleucine 494 with threonine.
Molecular consequence: missense variant. On other transcripts: non-coding transcript variant (1).
Genome position (GRCh38, 1-based): chr19:50,406,504, T>C. VCF-style: chr19-50406504-T-C. GRCh37 (hg19) VCF-style: chr19-50909761-T-C.
Other names: c.1481T>C (NM_002691.2); c.1481T>C, p.Ile494Thr (NM_001256849.1, NM_001308632.1); short protein forms I494T.
Identifiers: ClinVar variation 2868619 (VCV002868619.4), dbSNP rs1601217092, ClinGen allele CA406980303.

ClinVar aggregate classification (germline): Uncertain significance. Review status: criteria provided, multiple submitters, no conflicts (2 of 4 stars). 2 submissions from 2 submitters: Uncertain significance (2). Last evaluated 2025-06-29.

Conditions:
Hereditary cancer-predisposing syndrome. Also called: Neoplastic Syndromes, Hereditary; Tumor predisposition; Hereditary Cancer Syndrome; Hereditary neoplastic syndrome. Identifiers: Orphanet 140162, MedGen C0027672, MeSH D009386, MONDO:0015356.
POLD1-related polyposis and colorectal cancer syndrome (CRCS10). Also called: Colorectal cancer 10; COLORECTAL CANCER, SUSCEPTIBILITY TO, ON CHROMOSOME 19q; Colorectal cancer, susceptibility to, 10. Identifiers: Orphanet 220460, MedGen C2675481, MONDO:0012953, OMIM 612591.

Submissions (2):

Ambry Genetics
Classification: Uncertain significance for Hereditary cancer-predisposing syndrome. Last evaluated: 2025-06-29. Review status: criteria provided, single submitter. Criteria: Ambry Variant Classification Scheme 2023. Collection method: clinical testing. Allele origin: germline.
Comment: The p.I494T variant (also known as c.1481T>C), located in coding exon 11 of the POLD1 gene, results from a T to C substitution at nucleotide position 1481. The isoleucine at codon 494 is replaced by threonine, an amino acid with similar properties. This amino acid position is conserved. In addition, this alteration is predicted to be deleterious by in silico analysis. Based on the available evidence, the clinical significance of this variant remains unclear.

Labcorp Genetics (formerly Invitae), Labcorp
Classification: Uncertain significance for POLD1-related polyposis and colorectal cancer syndrome. Last evaluated: 2023-12-15. Review status: criteria provided, single submitter. Criteria: Invitae Variant Classification Sherloc (09022015). Collection method: clinical testing. Allele origin: germline.
Comment: This sequence change replaces isoleucine, which is neutral and non-polar, with threonine, which is neutral and polar, at codon 494 of the POLD1 protein (p.Ile494Thr). This variant is not present in population databases (gnomAD no frequency). This variant has not been reported in the literature in individuals affected with POLD1-related conditions. Advanced modeling of protein sequence and biophysical properties (such as structural, functional, and spatial information, amino acid conservation, physicochemical variation, residue mobility, and thermodynamic stability) performed at Invitae indicates that this missense variant is expected to disrupt POLD1 protein function with a positive predictive value of 80%. In summary, the available evidence is currently insufficient to determine the role of this variant in disease. Therefore, it has been classified as a Variant of Uncertain Significance.